The following is an entry in ClinVar:

ClinVar aggregate classification (germline): Pathogenic/Likely pathogenic. Review status: criteria provided, multiple submitters, no conflicts (2 of 4 stars). 2 submissions from 2 submitters: Pathogenic (1); Likely pathogenic (1). Last evaluated 2020-11-09.

Conditions:
CHD7-related disorder. Also called: CHD7-related condition.
CHARGE syndrome (CHARGE). Also called: Coloboma, heart anomaly, choanal atresia, retardation, genital and ear anomalies; CHARGE association; Hall-Hittner syndrome; Hittner Hirsch Kreh syndrome; CHARGE ASSOCIATION--COLOBOMA, HEART ANOMALY, CHOANAL ATRESIA, RETARDATION, GENITAL AND EAR ANOMALIES. Identifiers: Orphanet 138, MedGen C0265354, MONDO:0008965.

Submissions (2):

Blueprint Genetics
Classification: Likely pathogenic for CHD7-related disorders. Last evaluated: 2020-11-09. Review status: criteria provided, single submitter. Criteria: ACMG Guidelines, 2015. Collection method: clinical testing. Allele origin: germline. Affected: yes. Observed: 1 variant allele.

Labcorp Genetics (formerly Invitae), Labcorp
Classification: Pathogenic for CHARGE syndrome. Last evaluated: 2018-10-10. Review status: criteria provided, single submitter. Criteria: Invitae Variant Classification Sherloc (09022015). Collection method: clinical testing. Allele origin: germline.
Comment: This variant is not present in population databases (ExAC no frequency). This sequence change affects an acceptor splice site in intron 10 of the CHD7 gene. It is expected to disrupt RNA splicing and likely results in an absent or disrupted protein product. Algorithms developed to predict the effect of sequence changes on RNA splicing suggest that this variant may disrupt the consensus splice site, but this prediction has not been confirmed by published transcriptional studies. Donor and acceptor splice site variants typically lead to a loss of protein function (PMID: 16199547), and loss-of-function variants in CHD7 are known to be pathogenic (PMID: 22461308, 25077900). For these reasons, this variant has been classified as Pathogenic.

Literature cited by the submitters: PubMed 16199547 (cited by Labcorp Genetics (formerly Invitae), Labcorp); PubMed 22461308 (cited by Labcorp Genetics (formerly Invitae), Labcorp); PubMed 25077900 (cited by Labcorp Genetics (formerly Invitae), Labcorp).

NM_017780.4(CHD7):c.2836-1G>A

Gene: CHD7 (chromodomain helicase DNA binding protein 7; plus strand). Cytogenetic location: 8q12.2.
Variant type: single nucleotide variant.
Coding change: c.2836-1G>A on transcript NM_017780.4 (MANE Select); the canonical splice acceptor site of the intron before coding-DNA position 2836, G replaced by A.
Molecular consequence: splice acceptor variant. On other transcripts: intron variant (1).
Genome position (GRCh38, 1-based): chr8:60,822,023, G>A. VCF-style: chr8-60822023-G-A. GRCh37 (hg19) VCF-style: chr8-61734582-G-A.
Other names: c.1717-40206G>A (NM_001316690.1).
Identifiers: ClinVar variation 665863 (VCV000665863.10), dbSNP rs1586389929, ClinGen allele CA371308079.